The following is an entry in ClinVar:

ClinVar aggregate classification (germline): Uncertain significance (1 of 4 stars; one submission).

gnomAD v4.1: 1 of 1,613,994 alleles (0.000062%); highest among the groups gnomAD compares: Admixed American, 0.0017%; no homozygotes.

Submission:

Labcorp Genetics (formerly Invitae), Labcorp
Classification: Uncertain significance. Last evaluated: 2025-08-29. Review status: criteria provided, single submitter. Criteria: Invitae Variant Classification Sherloc (09022015). Collection method: clinical testing. Allele origin: germline.
Comment: This sequence change replaces isoleucine, which is neutral and non-polar, with methionine, which is neutral and non-polar, at codon 1153 of the FN1 protein (p.Ile1153Met). This variant is not present in population databases (gnomAD no frequency). This variant has not been reported in the literature in individuals affected with FN1-related conditions. An algorithm developed to predict the effect of missense changes on protein structure and function (PolyPhen-2) suggests that this variant is likely to be disruptive. In summary, the available evidence is currently insufficient to determine the role of this variant in disease. Therefore, it has been classified as a Variant of Uncertain Significance.

NM_212482.4(FN1):c.3459C>G (p.Ile1153Met)

Gene: FN1 (fibronectin 1; minus strand). Cytogenetic location: 2q35.
Variant type: single nucleotide variant.
Coding change: c.3459C>G on transcript NM_212482.4 (MANE Select); coding-DNA position 3459, C replaced by G.
Protein change: p.Ile1153Met; replaces isoleucine 1153 with methionine.
Molecular consequence: missense variant.
Genome position (GRCh38, 1-based): chr2:215,397,738, G>C on the plus strand (C>G on the coding strand, the complement: FN1 is on the minus strand). VCF-style: chr2-215397738-G-C. GRCh37 (hg19) VCF-style: chr2-216262461-G-C.
Other names: c.3459C>G, p.Ile1153Met (NM_212474.3, NM_212476.3, NM_212478.3 and 13 more transcripts); short protein forms I1153M.
Identifiers: ClinVar variation 4764385 (VCV004764385.1).